The following is an entry in ClinVar:

NM_000089.4(COL1A2):c.*205A>G

Gene: COL1A2 (collagen type I alpha 2 chain; plus strand). Cytogenetic location: 7q21.3.
Variant type: single nucleotide variant.
Coding change: c.*205A>G on transcript NM_000089.4 (MANE Select); 205 bases downstream of the stop codon, A replaced by G.
Molecular consequence: 3 prime UTR variant.
Genome position (GRCh38, 1-based): chr7:94,430,598, A>G. VCF-style: chr7-94430598-A-G. GRCh37 (hg19) VCF-style: chr7-94059910-A-G.
Other names: NC_000007.13:g.94059910A>G.
Identifiers: ClinVar variation 360978 (VCV000360978.8), dbSNP rs6955879, ClinGen allele CA10624415.

ClinVar aggregate classification (germline): Benign/Likely benign. Review status: criteria provided, multiple submitters, no conflicts (2 of 4 stars). 3 submissions from 2 submitters: Benign (2); Likely benign (1). Last evaluated 2018-07-31.

Conditions:
Ehlers-Danlos syndrome, arthrochalasia type, 2. Also called: EHLERS-DANLOS SYNDROME, TYPE VIIB, AUTOSOMAL DOMINANT. Identifiers: MedGen CN293783, MONDO:0040501, OMIM 617821.
Osteogenesis imperfecta (OI). Identifiers: Orphanet 666, MedGen C0029434, MeSH D010013, MONDO:0019019.

Allele frequency attached by ClinVar (database versions not stated): gnomAD exomes 0.00146; gnomAD 0.01225 and 0.01322; TOPMed 0.01371; 1000 Genomes Project 0.01498; 1000 Genomes Project 30x 0.01499.
gnomAD v4.1: 2,521 of 590,498 alleles (0.43%); highest among the groups gnomAD compares: African/African-American, 4.3%; 49 homozygotes.

Submissions (5):

GeneDx
Classification: Likely benign. Last evaluated: 2018-07-31. Review status: criteria provided, single submitter. Criteria: GeneDx Variant Classification Process June 2021. Collection method: clinical testing. Allele origin: germline. Affected: yes.

Illumina Laboratory Services, Illumina
Classification: Benign for Ehlers-Danlos syndrome, arthrochalasia type, 2. Last evaluated: 2018-01-13. Review status: criteria provided, single submitter. Criteria: ICSL Variant Classification Criteria 13 December 2019. Collection method: clinical testing. Allele origin: germline.
Comment: This variant was observed in the ICSL laboratory as part of a predisposition screen in an ostensibly healthy population. It had not been previously curated by ICSL or reported in the Human Gene Mutation Database (HGMD: prior to June 1st, 2018), and was therefore a candidate for classification through an automated scoring system. Utilizing variant allele frequency, disease prevalence and penetrance estimates, and inheritance mode, an automated score was calculated to assess if this variant is too frequent to cause the disease. Based on the score and internal cut-off values, a variant classified as benign is not then subjected to further curation. The score for this variant resulted in a classification of benign for this disease.

Illumina Laboratory Services, Illumina
Classification: Benign for Osteogenesis imperfecta. Last evaluated: 2018-01-13. Review status: criteria provided, single submitter. Criteria: ICSL Variant Classification Criteria 13 December 2019. Collection method: clinical testing. Allele origin: germline.
Comment: the same text as in the submission from Illumina Laboratory Services, Illumina above.

Dr. Peter K. Rogan Lab, Western University
No classification provided (evidence only). Condition: Uterine corpus endometrial carcinoma. Review status: no classification provided. Collection method: in vitro. Allele origin: not applicable. Functional consequence: retained intron. Not counted in ClinVar's aggregate classification.

Dr. Peter K. Rogan Lab, Western University
No classification provided (evidence only). Condition: Sarcoma. Review status: no classification provided. Collection method: in vitro. Allele origin: not applicable. Functional consequence: retained intron. Not counted in ClinVar's aggregate classification.